The following is an entry in ClinVar:

ClinVar aggregate classification (germline): Uncertain significance. Review status: criteria provided, multiple submitters, no conflicts (2 of 4 stars). 2 submissions from 2 submitters: Uncertain significance (2). Last evaluated 2022-04-19.

Conditions:
Diamond-Blackfan anemia 10 (DBA10). Also called: RPS26-Related Diamond-Blackfan Anemia. Identifiers: Orphanet 124, MedGen C2750080, MONDO:0013217, OMIM 613309.

Allele frequency attached by ClinVar (database versions not stated): gnomAD 0.00001; gnomAD exomes 0.00001; ExAC 0.00002; TOPMed 0.00002.
gnomAD v4.1: 11 of 1,613,212 alleles (0.00068%); highest among the groups gnomAD compares: East Asian, 0.013%; no homozygotes.

Submissions (2):

Fulgent Genetics
Classification: Uncertain significance for Diamond-Blackfan anemia 10. Last evaluated: 2022-04-19. Review status: criteria provided, single submitter. Criteria: ACMG Guidelines, 2015. Collection method: clinical testing. Allele origin: unknown.

Labcorp Genetics (formerly Invitae), Labcorp
Classification: Uncertain significance for Diamond-Blackfan anemia 10. Last evaluated: 2020-07-13. Review status: criteria provided, single submitter. Criteria: Invitae Variant Classification Sherloc (09022015). Collection method: clinical testing. Allele origin: germline.
Comment: The frequency data for this variant in the population databases is considered unreliable, as metrics indicate poor data quality at this position in the ExAC database. This sequence change replaces arginine with histidine at codon 89 of the RPS26 protein (p.Arg89His). The arginine residue is highly conserved and there is a small physicochemical difference between arginine and histidine. This variant has not been reported in the literature in individuals with RPS26-related conditions. In summary, the available evidence is currently insufficient to determine the role of this variant in disease. Therefore, it has been classified as a Variant of Uncertain Significance. Algorithms developed to predict the effect of missense changes on protein structure and function are either unavailable or do not agree on the potential impact of this missense change (SIFT: "Deleterious"; PolyPhen-2: "Benign"; Align-GVGD: "Class C0").

NM_001029.5(RPS26):c.266G>A (p.Arg89His)

Gene: RPS26 (ribosomal protein S26; plus strand). Cytogenetic location: 12q13.2.
Variant type: single nucleotide variant.
Coding change: c.266G>A on transcript NM_001029.5 (MANE Select); coding-DNA position 266, G replaced by A.
Protein change: p.Arg89His; replaces arginine 89 with histidine.
Molecular consequence: missense variant.
Genome position (GRCh38, 1-based): chr12:56,043,447, G>A. VCF-style: chr12-56043447-G-A. GRCh37 (hg19) VCF-style: chr12-56437231-G-A.
Other names: short protein forms R89H.
Identifiers: ClinVar variation 1020612 (VCV001020612.9), dbSNP rs764673368, ClinGen allele CA6621745.